The following is an entry in ClinVar:

ClinVar aggregate classification (germline): Uncertain significance (1 of 4 stars; one submission).

Submission:

Labcorp Genetics (formerly Invitae), Labcorp
Classification: Uncertain significance. Last evaluated: 2023-12-19. Review status: criteria provided, single submitter. Criteria: Invitae Variant Classification Sherloc (09022015). Collection method: clinical testing. Allele origin: germline.
Comment: This sequence change replaces valine, which is neutral and non-polar, with isoleucine, which is neutral and non-polar, at codon 211 of the PPM1F protein (p.Val211Ile). This variant is not present in population databases (gnomAD no frequency). This variant has not been reported in the literature in individuals affected with PPM1F-related conditions. An algorithm developed to predict the effect of missense changes on protein structure and function (PolyPhen-2) suggests that this variant is likely to be tolerated. In summary, the available evidence is currently insufficient to determine the role of this variant in disease. Therefore, it has been classified as a Variant of Uncertain Significance.

NM_014634.4(PPM1F):c.631G>A (p.Val211Ile)

Gene: PPM1F (protein phosphatase, Mg2+/Mn2+ dependent 1F; minus strand). Cytogenetic location: 22q11.22.
Variant type: single nucleotide variant.
Coding change: c.631G>A on transcript NM_014634.4 (MANE Select); coding-DNA position 631, G replaced by A.
Protein change: p.Val211Ile; replaces valine 211 with isoleucine.
Molecular consequence: missense variant.
Genome position (GRCh38, 1-based): chr22:21,933,507, C>T on the plus strand (G>A on the coding strand, the complement: PPM1F is on the minus strand). VCF-style: chr22-21933507-C-T. GRCh37 (hg19) VCF-style: chr22-22287879-C-T.
Other names: c.127G>A, p.Val43Ile (NM_001410836.1); short protein forms V211I, V43I.
Identifiers: ClinVar variation 2790680 (VCV002790680.3), dbSNP rs1343832171, ClinGen allele CA410831417.
Genomic context (GRCh38, chr22:21,933,507, plus strand): 5'-GGGCTCCCTCAGGGTCTGTGGGCAGCTCTGGCTGGCGGGCAGCGTTGGTGTGCACGTGGA[C>T]AGCGGCGTACCTCGCAGCATCCACGCCTCCGTGACCATCAAACACAGCAAAGTAGGCGCG-3'
Protein context (NP_055449.1, residues 201-221): GGVDAARYAA[Val211Ile]HVHTNAARQP